The following is an entry in ClinVar:

ClinVar aggregate classification (germline): Uncertain significance. Review status: criteria provided, multiple submitters, no conflicts (2 of 4 stars). 2 submissions from 2 submitters: Uncertain significance (2). Last evaluated 2022-06-15.

Conditions:
Hereditary cancer-predisposing syndrome. Also called: Tumor predisposition; Neoplastic Syndromes, Hereditary; Hereditary Cancer Syndrome; Hereditary neoplastic syndrome. Identifiers: Orphanet 140162, MedGen C0027672, MeSH D009386, MONDO:0015356.
Ataxia-telangiectasia syndrome (AT). Also called: Ataxia-telangiectasia; LOUIS-BAR SYNDROME; Ataxia-telangiectasia, complementation group D; AT, COMPLEMENTATION GROUP C; ATAXIA-TELANGIECTASIA, COMPLEMENTATION GROUP A; ATAXIA-TELANGIECTASIA, FRESNO VARIANT. Identifiers: Orphanet 100, MedGen C0004135, MONDO:0008840, OMIM 208900.

Submissions (2):

Labcorp Genetics (formerly Invitae), Labcorp
Classification: Uncertain significance for Ataxia-telangiectasia syndrome. Last evaluated: 2022-06-15. Review status: criteria provided, single submitter. Criteria: Invitae Variant Classification Sherloc (09022015). Collection method: clinical testing. Allele origin: germline.
Comment: This sequence change replaces leucine, which is neutral and non-polar, with valine, which is neutral and non-polar, at codon 3035 of the ATM protein (p.Leu3035Val). This variant is not present in population databases (gnomAD no frequency). In summary, the available evidence is currently insufficient to determine the role of this variant in disease. Therefore, it has been classified as a Variant of Uncertain Significance. Advanced modeling of protein sequence and biophysical properties (such as structural, functional, and spatial information, amino acid conservation, physicochemical variation, residue mobility, and thermodynamic stability) performed at Invitae indicates that this missense variant is expected to disrupt ATM protein function. This variant has not been reported in the literature in individuals affected with ATM-related conditions.

Ambry Genetics
Classification: Uncertain significance for Hereditary cancer-predisposing syndrome. Last evaluated: 2020-02-21. Review status: criteria provided, single submitter. Criteria: Ambry Variant Classification Scheme 2023. Collection method: clinical testing. Allele origin: germline.
Comment: The p.L3035V variant (also known as c.9103C>G), located in coding exon 62 of the ATM gene, results from a C to G substitution at nucleotide position 9103. The leucine at codon 3035 is replaced by valine, an amino acid with highly similar properties. This amino acid position is highly conserved in available vertebrate species. In addition, this alteration is predicted to be deleterious by in silico analysis. Since supporting evidence is limited at this time, the clinical significance of this alteration remains unclear.

NM_000051.4(ATM):c.9103C>G (p.Leu3035Val)

Genes: ATM (ATM serine/threonine kinase; plus strand), C11orf65 (chromosome 11 open reading frame 65; minus strand). Cytogenetic location: 11q22.3.
Variant type: single nucleotide variant.
Coding change: c.9103C>G on transcript NM_000051.4 (MANE Select); coding-DNA position 9103, C replaced by G.
Protein change: p.Leu3035Val; replaces leucine 3035 with valine.
Molecular consequence: missense variant. On other transcripts: intron variant (2).
Genome position (GRCh38, 1-based): chr11:108,365,440, C>G. VCF-style: chr11-108365440-C-G. GRCh37 (hg19) VCF-style: chr11-108236167-C-G.
Other names: c.9103C>G, p.Leu3035Val (NM_001351834.2); c.640+20480G>C (NM_001330368.2); c.694+20480G>C (NM_001351110.2); short protein forms L3035V.
Identifiers: ClinVar variation 1356869 (VCV001356869.10), dbSNP rs866769874, ClinGen allele CA382531953.